The following is an entry in ClinVar:

NM_014946.4(SPAST):c.1415T>G (p.Val472Gly)

Gene: SPAST (spastin; plus strand). Cytogenetic location: 2p22.3.
Variant type: single nucleotide variant.
Coding change: c.1415T>G on transcript NM_014946.4 (MANE Select); coding-DNA position 1415, T replaced by G.
Protein change: p.Val472Gly; replaces valine 472 with glycine.
Molecular consequence: missense variant.
Genome position (GRCh38, 1-based): chr2:32,137,110, T>G. VCF-style: chr2-32137110-T-G. GRCh37 (hg19) VCF-style: chr2-32362179-T-G.
Other names: c.1412T>G, p.Val471Gly (NM_001363823.2); c.1316T>G, p.Val439Gly (NM_001363875.2); c.1319T>G, p.Val440Gly (NM_001377959.1, NM_199436.2); short protein forms V439G, V471G, V440G, V472G.
Identifiers: ClinVar variation 2126603 (VCV002126603.4), dbSNP rs2465884828, ClinGen allele CA346502382.

ClinVar aggregate classification (germline): Uncertain significance (1 of 4 stars; one submission).

Conditions:
Hereditary spastic paraplegia 4. Also called: Familial spastic paraplegia autosomal dominant 2; Spastic paraplegia 4, autosomal dominant; Spastic Paraplegia 4. Identifiers: Orphanet 100985, MedGen C1866855, MONDO:0008438, OMIM 182601.

Submission:

Labcorp Genetics (formerly Invitae), Labcorp
Classification: Uncertain significance for Hereditary spastic paraplegia 4. Last evaluated: 2022-04-15. Review status: criteria provided, single submitter. Criteria: Invitae Variant Classification Sherloc (09022015). Collection method: clinical testing. Allele origin: germline.
Comment: In summary, the available evidence is currently insufficient to determine the role of this variant in disease. Therefore, it has been classified as a Variant of Uncertain Significance. Algorithms developed to predict the effect of missense changes on protein structure and function are either unavailable or do not agree on the potential impact of this missense change (SIFT: "Deleterious"; PolyPhen-2: "Probably Damaging"; Align-GVGD: "Class C0"). This variant has not been reported in the literature in individuals affected with SPAST-related conditions. This variant is not present in population databases (gnomAD no frequency). This sequence change replaces valine, which is neutral and non-polar, with glycine, which is neutral and non-polar, at codon 472 of the SPAST protein (p.Val472Gly).